The following is an entry in ClinVar:

NM_013336.4(SEC61A1):c.1398C>T (p.Ser466=)

Genes: RUVBL1 (RuvB like AAA ATPase 1; minus strand), SEC61A1 (SEC61 translocon subunit alpha 1; plus strand). Cytogenetic location: 3q21.3.
Variant type: single nucleotide variant.
Coding change: c.1398C>T on transcript NM_013336.4 (MANE Select); coding-DNA position 1398, C replaced by T.
Protein change: p.Ser466=; no amino-acid change (serine 466 retained).
Molecular consequence: synonymous variant. On other transcripts: intron variant (1).
Genome position (GRCh38, 1-based): chr3:128,069,629, C>T. VCF-style: chr3-128069629-C-T. GRCh37 (hg19) VCF-style: chr3-127788472-C-T.
Other names: p.Ser466=; c.1416C>T, p.Ser472= (NM_001400328.1); c.1239C>T, p.Ser413= (NM_001400329.1); c.940-4409G>A (NM_001319086.1).
Identifiers: ClinVar variation 787661 (VCV000787661.42), dbSNP rs11926533, ClinGen allele CA2598644.

ClinVar aggregate classification (germline): Benign/Likely benign. Review status: criteria provided, multiple submitters, no conflicts (2 of 4 stars). 6 submissions from 6 submitters: Benign (4); Likely benign (2). Last evaluated 2026-08-01.

Allele frequency attached by ClinVar (database versions not stated): 1000 Genomes Project 30x 0.00250; 1000 Genomes Project 0.00260; gnomAD exomes 0.00786 and 0.01120; ExAC 0.00844; gnomAD 0.00854 and 0.00804; ESP Exome Variant Server 0.00961; TOPMed 0.00803.
gnomAD v4.1: 17,496 of 1,614,096 alleles (1.1%); highest among the groups gnomAD compares: Non-Finnish European, 1.3%; 106 homozygotes.

Submissions (6):

CeGaT Center for Human Genetics Tuebingen
Classification: Benign. Last evaluated: 2026-08-01. Review status: criteria provided, single submitter. Criteria: CeGaT Center For Human Genetics Tuebingen Variant Classification Criteria Version 2. Collection method: clinical testing. Allele origin: germline. Affected: yes. Observed: 23 variant alleles.
Comment: RUVBL1: BS1, BS2; SEC61A1: BP4, BP7, BS1, BS2

Labcorp Genetics (formerly Invitae), Labcorp
Classification: Benign. Last evaluated: 2026-02-01. Review status: criteria provided, single submitter. Criteria: Invitae Variant Classification Sherloc (09022015). Collection method: clinical testing. Allele origin: germline.

Women's Health and Genetics/Laboratory Corporation of America, LabCorp
Classification: Benign. Last evaluated: 2026-01-29. Review status: criteria provided, single submitter. Criteria: LabCorp Variant Classification Summary - May 2015. Collection method: clinical testing. Allele origin: germline.
Comment: Variant summary: SEC61A1 c.1398C>T alters a conserved nucleotide resulting in a synonymous change. Several computational tools predict a significant impact on normal splicing: Four predict the variant creates a 5' donor site. However, these predictions have yet to be confirmed by functional studies. The variant allele was found at a frequency of 0.0079 in 251404 control chromosomes in the gnomAD database, including 11 homozygotes. The observed variant frequency exceeds the estimated maximal expected allele frequency for disease-causing variants in SEC61A1. To our knowledge, no occurrence of c.1398C>T in individuals affected with SEC61A1-related conditions and no experimental evidence demonstrating its impact on protein function have been reported. ClinVar contains an entry for this variant (Variation ID: 787661). Based on the evidence outlined above, the variant was classified as benign.

Mayo Clinic Laboratories, Mayo Clinic
Classification: Benign. Last evaluated: 2023-08-23. Review status: criteria provided, single submitter. Criteria: ACMG Guidelines, 2015. Collection method: clinical testing. Allele origin: germline. Observed: 7 variant alleles.
Comment: BS1, BS2, BP4, BP7

GeneDx
Classification: Likely benign. Last evaluated: 2021-03-15. Review status: criteria provided, single submitter. Criteria: GeneDx Variant Classification Process June 2021. Collection method: clinical testing. Allele origin: germline. Affected: yes.

Breakthrough Genomics
Classification: Likely benign. Review status: criteria provided, single submitter. Criteria: ACMG Guidelines, 2015. Collection method: not provided. Allele origin: germline. Inheritance: Autosomal dominant inheritance. Affected: yes.